The following is an entry in ClinVar:

NM_014679.5(CEP57):c.936T>G (p.His312Gln)

Gene: CEP57 (centrosomal protein 57; plus strand). Cytogenetic location: 11q21.
Variant type: single nucleotide variant.
Coding change: c.936T>G on transcript NM_014679.5 (MANE Select); coding-DNA position 936, T replaced by G.
Protein change: p.His312Gln; replaces histidine 312 with glutamine.
Molecular consequence: missense variant.
Genome position (GRCh38, 1-based): chr11:95,827,836, T>G. VCF-style: chr11-95827836-T-G. GRCh37 (hg19) VCF-style: chr11-95561000-T-G.
Other names: c.909T>G, p.His303Gln (NM_001243776.2); c.858T>G, p.His286Gln (NM_001243777.2); c.855T>G, p.His285Gln (NM_001363604.2); short protein forms H286Q, H285Q, H303Q, H312Q.
Identifiers: ClinVar variation 4001074 (VCV004001074.1).
Genomic context (GRCh38, chr11:95,827,836, plus strand): 5'-CTTCCTTTAGTCCACAAGCCCTAGCCATGCCGTGGTAGCCAATGTTCAGCTTGTCTTGCA[T>G]CTAATGAAGCAACACAGTAAAGCTTTGTGCAATGATCGAGTCATCAACAGTATTCCTTTG-3'
Protein context (NP_055494.2, residues 302-322): AVVANVQLVL[His312Gln]LMKQHSKALC

ClinVar aggregate classification (germline): Uncertain significance (1 of 4 stars; one submission).

Conditions:
Inborn genetic diseases. Identifiers: MedGen C0950123, MeSH D030342.

Submission:

Ambry Genetics
Classification: Uncertain significance for Inborn genetic diseases. Last evaluated: 2025-06-02. Review status: criteria provided, single submitter. Criteria: Ambry Variant Classification Scheme 2023. Collection method: clinical testing. Allele origin: germline.
Comment: The p.H312Q variant (also known as c.936T>G), located in coding exon 9 of the CEP57 gene, results from a T to G substitution at nucleotide position 936. The histidine at codon 312 is replaced by glutamine, an amino acid with highly similar properties. This amino acid position is conserved. In addition, the in silico prediction for this alteration is inconclusive. Based on the available evidence, the clinical significance of this variant remains unclear.